The following is an entry in ClinVar:

NM_001197104.2(KMT2A):c.9403A>C (p.Thr3135Pro)

Gene: KMT2A (lysine methyltransferase 2A; plus strand). Cytogenetic location: 11q23.3.
Variant type: single nucleotide variant.
Coding change: c.9403A>C on transcript NM_001197104.2 (MANE Select); coding-DNA position 9403, A replaced by C.
Protein change: p.Thr3135Pro; replaces threonine 3135 with proline.
Molecular consequence: missense variant.
Genome position (GRCh38, 1-based): chr11:118,505,295, A>C. VCF-style: chr11-118505295-A-C. GRCh37 (hg19) VCF-style: chr11-118376010-A-C.
Other names: c.9493A>C, p.Thr3165Pro (NM_001412597.1); c.9394A>C, p.Thr3132Pro (NM_005933.4); short protein forms T3132P, T3135P, T3165P.
Identifiers: ClinVar variation 4800576 (VCV004800576.1).
Genomic context (GRCh38, chr11:118,505,295, plus strand): 5'-CCCAGTGTGATGGAGACAAATACTTCAGTATTGGGACCCATGGGAGGTGGTCTCACCCTT[A>C]CCACAGGACTAAATCCAAGCTTGCCAACTTCTCAATCTTTGTTCCCTTCTGCTAGCAAAG-3'
Protein context (NP_001184033.1, residues 3125-3145): LGPMGGGLTL[Thr3135Pro]TGLNPSLPTS

ClinVar aggregate classification (germline): Uncertain significance (1 of 4 stars; one submission).

Submission:

Labcorp Genetics (formerly Invitae), Labcorp
Classification: Uncertain significance. Last evaluated: 2026-01-18. Review status: criteria provided, single submitter. Criteria: Invitae Variant Classification Sherloc (09022015). Collection method: clinical testing. Allele origin: germline.
Comment: This sequence change replaces threonine, which is neutral and polar, with proline, which is neutral and non-polar, at codon 3135 of the KMT2A protein (p.Thr3135Pro). This variant is not present in population databases (gnomAD no frequency). This variant has not been reported in the literature in individuals affected with KMT2A-related conditions. Invitae Evidence Modeling of protein sequence and biophysical properties (such as structural, functional, and spatial information, amino acid conservation, physicochemical variation, residue mobility, and thermodynamic stability) indicates that this missense variant is not expected to disrupt KMT2A protein function with a negative predictive value of 95%. In summary, the available evidence is currently insufficient to determine the role of this variant in disease. Therefore, it has been classified as a Variant of Uncertain Significance.